The following is an entry in ClinVar:

NM_032634.4(PIGO):c.511+91G>A

Gene: PIGO (phosphatidylinositol glycan anchor biosynthesis class O; minus strand). Cytogenetic location: 9p13.3.
Variant type: single nucleotide variant.
Coding change: c.511+91G>A on transcript NM_032634.4 (MANE Select); 91 bases into the intron after coding-DNA position 511, G replaced by A.
Molecular consequence: intron variant.
Genome position (GRCh38, 1-based): chr9:35,094,964, C>T on the plus strand (G>A on the coding strand, the complement: PIGO is on the minus strand). VCF-style: chr9-35094964-C-T. GRCh37 (hg19) VCF-style: chr9-35094961-C-T.
Other names: c.511+91G>A (NM_152850.4, NM_001201484.2).
Identifiers: ClinVar variation 672889 (VCV000672889.2), dbSNP rs80269270, ClinGen allele CA192716071.

ClinVar aggregate classification (germline): Benign. Review status: criteria provided, multiple submitters, no conflicts (2 of 4 stars). 2 submissions from 2 submitters: Benign (2). Last evaluated 2018-06-16.

Allele frequency attached by ClinVar (database versions not stated): gnomAD exomes 0.00631; gnomAD 0.02380 and 0.02411; TOPMed 0.02603; 1000 Genomes Project 0.03934; 1000 Genomes Project 30x 0.04029.
gnomAD v4.1: 12,057 of 1,472,802 alleles (0.82%); highest among the groups gnomAD compares: African/African-American, 7%; 436 homozygotes.

Submissions (2):

GeneDx
Classification: Benign. Last evaluated: 2018-06-16. Review status: criteria provided, single submitter. Criteria: GeneDx Variant Classification (06012015). Collection method: clinical testing. Allele origin: germline. Affected: yes.
Comment: This variant is considered likely benign or benign based on one or more of the following criteria: it is a conservative change, it occurs at a poorly conserved position in the protein, it is predicted to be benign by multiple in silico algorithms, and/or has population frequency not consistent with disease.

Breakthrough Genomics
Classification: Benign. Review status: criteria provided, single submitter. Criteria: ACMG Guidelines, 2015. Collection method: not provided. Allele origin: germline. Inheritance: Autosomal recessive inheritance. Affected: yes.